The following is an entry in ClinVar:

ClinVar aggregate classification (germline): Uncertain significance (1 of 4 stars; one submission).

Allele frequency attached by ClinVar (database versions not stated): gnomAD exomes below 0.00001.
gnomAD v4.1: 1 of 1,613,976 alleles (0.000062%); no homozygotes.

Submission:

GeneDx
Classification: Uncertain significance. Last evaluated: 2023-04-30. Review status: criteria provided, single submitter. Criteria: GeneDx Variant Classification Process June 2021. Collection method: clinical testing. Allele origin: germline. Affected: yes.
Comment: Not observed at significant frequency in large population cohorts (gnomAD); In silico analysis supports that this missense variant has a deleterious effect on protein structure/function; Has not been previously published as pathogenic or benign to our knowledge

NM_001170535.3(ATAD3A):c.1430G>T (p.Gly477Val)

Gene: ATAD3A (ATPase family AAA domain containing 3A; plus strand). Cytogenetic location: 1p36.33.
Variant type: single nucleotide variant.
Coding change: c.1430G>T on transcript NM_001170535.3 (MANE Select); coding-DNA position 1430, G replaced by T.
Protein change: p.Gly477Val; replaces glycine 477 with valine.
Molecular consequence: missense variant.
Genome position (GRCh38, 1-based): chr1:1,527,787, G>T. VCF-style: chr1-1527787-G-T. GRCh37 (hg19) VCF-style: chr1-1463167-G-T.
Other names: c.1193G>T, p.Gly398Val (NM_001170536.3); c.1574G>T, p.Gly525Val (NM_018188.5); short protein forms G398V, G477V, G525V.
Identifiers: ClinVar variation 2663396 (VCV002663396.1), dbSNP rs2524204494, ClinGen allele CA337861059.